The following is an entry in ClinVar:

NM_006180.6(NTRK2):c.986A>C (p.Tyr329Ser)

Gene: NTRK2 (neurotrophic receptor tyrosine kinase 2; plus strand). Cytogenetic location: 9q21.33.
Variant type: single nucleotide variant.
Coding change: c.986A>C on transcript NM_006180.6 (MANE Select); coding-DNA position 986, A replaced by C.
Protein change: p.Tyr329Ser; replaces tyrosine 329 with serine.
Molecular consequence: missense variant.
Genome position (GRCh38, 1-based): chr9:84,727,786, A>C. VCF-style: chr9-84727786-A-C. GRCh37 (hg19) VCF-style: chr9-87342701-A-C.
Other names: c.986A>C, p.Tyr329Ser (NM_001369538.1, NM_001369539.1, NM_001369540.1 and 16 more transcripts); c.947A>C, p.Tyr316Ser (NM_001369546.1, NM_001291937.2); c.518A>C, p.Tyr173Ser (NM_001369535.1, NM_001369536.1, NM_001369550.1 and 2 more transcripts); short protein forms Y173S, Y316S, Y329S.
Identifiers: ClinVar variation 4086707 (VCV004086707.1).

ClinVar aggregate classification (germline): Uncertain significance (1 of 4 stars; one submission).

Submission:

GeneDx
Classification: Uncertain significance. Last evaluated: 2025-03-20. Review status: criteria provided, single submitter. Criteria: GeneDx Variant Classification Process June 2021. Collection method: clinical testing. Allele origin: germline. Affected: yes.
Comment: Not observed at significant frequency in large population cohorts (gnomAD); In silico analysis supports that this missense variant has a deleterious effect on protein structure/function; Has not been previously published as pathogenic or benign to our knowledge